The following is an entry in ClinVar:

ClinVar aggregate classification (germline): Uncertain significance (1 of 4 stars; one submission).

Conditions:
Fucosidosis. Also called: ALPHA-L-FUCOSIDASE DEFICIENCY. Identifiers: Orphanet 349, MedGen C0016788, MONDO:0009254, OMIM 230000.

Allele frequency attached by ClinVar (database versions not stated): gnomAD exomes below 0.00001.
gnomAD v4.1: 1 of 1,596,284 alleles (0.000063%); highest among the groups gnomAD compares: Non-Finnish European, 0.000085%; no homozygotes.

Submission:

Labcorp Genetics (formerly Invitae), Labcorp
Classification: Uncertain significance for Fucosidosis. Last evaluated: 2025-10-04. Review status: criteria provided, single submitter. Criteria: Invitae Variant Classification Sherloc (09022015). Collection method: clinical testing. Allele origin: germline.
Comment: This sequence change replaces arginine, which is basic and polar, with leucine, which is neutral and non-polar, at codon 29 of the FUCA1 protein (p.Arg29Leu). This variant is not present in population databases (gnomAD no frequency). This variant has not been reported in the literature in individuals affected with FUCA1-related conditions. ClinVar contains an entry for this variant (Variation ID: 1006701). Invitae Evidence Modeling of protein sequence and biophysical properties (such as structural, functional, and spatial information, amino acid conservation, physicochemical variation, residue mobility, and thermodynamic stability) indicates that this missense variant is not expected to disrupt FUCA1 protein function with a negative predictive value of 95%. In summary, the available evidence is currently insufficient to determine the role of this variant in disease. Therefore, it has been classified as a Variant of Uncertain Significance.

NM_000147.5(FUCA1):c.86G>T (p.Arg29Leu)

Gene: FUCA1 (alpha-L-fucosidase 1; minus strand). Cytogenetic location: 1p36.11.
Variant type: single nucleotide variant.
Coding change: c.86G>T on transcript NM_000147.5 (MANE Select); coding-DNA position 86, G replaced by T.
Protein change: p.Arg29Leu; replaces arginine 29 with leucine.
Molecular consequence: missense variant.
Genome position (GRCh38, 1-based): chr1:23,868,201, C>A on the plus strand (G>T on the coding strand, the complement: FUCA1 is on the minus strand). VCF-style: chr1-23868201-C-A. GRCh37 (hg19) VCF-style: chr1-24194691-C-A.
Other names: short protein forms R29L.
Identifiers: ClinVar variation 1006701 (VCV001006701.8), dbSNP rs1639666097, ClinGen allele CA339010640.